The following is an entry in ClinVar:

NM_007347.5(AP4E1):c.3257A>G (p.Asn1086Ser)

Gene: AP4E1 (adaptor related protein complex 4 subunit epsilon 1; plus strand). Cytogenetic location: 15q21.2.
Variant type: single nucleotide variant.
Coding change: c.3257A>G on transcript NM_007347.5 (MANE Select); coding-DNA position 3257, A replaced by G.
Protein change: p.Asn1086Ser; replaces asparagine 1086 with serine.
Molecular consequence: missense variant.
Genome position (GRCh38, 1-based): chr15:51,002,505, A>G. VCF-style: chr15-51002505-A-G. GRCh37 (hg19) VCF-style: chr15-51294702-A-G.
Other names: c.3032A>G, p.Asn1011Ser (NM_001252127.2); c.3257A>G (NM_007347.3); short protein forms N1086S, N1011S.
Identifiers: ClinVar variation 1961410 (VCV001961410.6), dbSNP rs1035062367, ClinGen allele CA270529261.

ClinVar aggregate classification (germline): Uncertain significance. Review status: criteria provided, multiple submitters, no conflicts (2 of 4 stars). 2 submissions from 2 submitters: Uncertain significance (2). Last evaluated 2025-12-16.

Conditions:
Spastic paraplegia. Identifiers: MedGen C0037772, HP:0001258.
Inborn genetic diseases. Identifiers: MedGen C0950123, MeSH D030342.

Allele frequency attached by ClinVar (database versions not stated): gnomAD exomes below 0.00001; TOPMed 0.00001.
gnomAD v4.1: 4 of 1,614,096 alleles (0.00025%); highest among the groups gnomAD compares: Non-Finnish European, 0.00034%; no homozygotes.

Submissions (2):

Ambry Genetics
Classification: Uncertain significance for Inborn genetic diseases. Last evaluated: 2025-12-16. Review status: criteria provided, single submitter. Criteria: Ambry Variant Classification Scheme 2023. Collection method: clinical testing. Allele origin: germline.

Labcorp Genetics (formerly Invitae), Labcorp
Classification: Uncertain significance for Spastic paraplegia. Last evaluated: 2022-07-14. Review status: criteria provided, single submitter. Criteria: Invitae Variant Classification Sherloc (09022015). Collection method: clinical testing. Allele origin: germline.
Comment: In summary, the available evidence is currently insufficient to determine the role of this variant in disease. Therefore, it has been classified as a Variant of Uncertain Significance. Algorithms developed to predict the effect of missense changes on protein structure and function output the following: SIFT: "Tolerated"; PolyPhen-2: "Benign"; Align-GVGD: "Class C0". The serine amino acid residue is found in multiple mammalian species, which suggests that this missense change does not adversely affect protein function. This variant has not been reported in the literature in individuals affected with AP4E1-related conditions. This variant is present in population databases (no rsID available, gnomAD 0.0009%). This sequence change replaces asparagine, which is neutral and polar, with serine, which is neutral and polar, at codon 1086 of the AP4E1 protein (p.Asn1086Ser).